The following is an entry in ClinVar:

ClinVar aggregate classification (germline): Pathogenic (1 of 4 stars; one submission).

Conditions:
Eichsfeld type congenital muscular dystrophy (CMYO3). Also called: SELENON-related myopathy; Congenital myopathy 3 with rigid spine; Rigid spine muscular dystrophy 1; MYOPATHY, SEPN1-RELATED. Identifiers: MedGen C0410180, MONDO:0100100, OMIM 602771.

Submission:

Labcorp Genetics (formerly Invitae), Labcorp
Classification: Pathogenic for Eichsfeld type congenital muscular dystrophy. Last evaluated: 2025-08-08. Review status: criteria provided, single submitter. Criteria: Invitae Variant Classification Sherloc (09022015). Collection method: clinical testing. Allele origin: germline.
Comment: This sequence change creates a premature translational stop signal (p.Gln397*) in the SELENON gene. It is expected to result in an absent or disrupted protein product. Loss-of-function variants in SELENON are known to be pathogenic (PMID: 21131290, 21670436). This variant is not present in population databases (gnomAD no frequency). This premature translational stop signal has been observed in individual(s) with SELENON-related conditions (PMID: 29172004, 33333461). ClinVar contains an entry for this variant (Variation ID: 2159320). For these reasons, this variant has been classified as Pathogenic.

Literature cited by the submitters: PubMed 21131290; PubMed 21670436; PubMed 29172004; PubMed 33333461.

NM_206926.2(SELENON):c.1087C>T (p.Gln363Ter)

Gene: SELENON (selenoprotein N; plus strand). Cytogenetic location: 1p36.11.
Variant type: single nucleotide variant.
Coding change: c.1087C>T on transcript NM_206926.2 (MANE Select); coding-DNA position 1087, C replaced by T.
Protein change: p.Gln363Ter; replaces glutamine 363 with a stop codon.
Molecular consequence: nonsense.
Genome position (GRCh38, 1-based): chr1:25,811,787, C>T. VCF-style: chr1-25811787-C-T. GRCh37 (hg19) VCF-style: chr1-26138278-C-T.
Other names: c.1189C>T, p.Gln397Ter (NM_020451.3); short protein forms Q397*, Q363*.
Identifiers: ClinVar variation 2159320 (VCV002159320.4), dbSNP rs2524994791, ClinGen allele CA339117189.